The following is an entry in ClinVar:

NM_001379180.1(ESRRB):c.1177G>C (p.Glu393Gln)

Gene: ESRRB (estrogen related receptor beta; plus strand). Cytogenetic location: 14q24.3.
Variant type: single nucleotide variant.
Coding change: c.1177G>C on transcript NM_001379180.1 (MANE Select); coding-DNA position 1177, G replaced by C.
Protein change: p.Glu393Gln; replaces glutamic acid 393 with glutamine.
Molecular consequence: missense variant.
Genome position (GRCh38, 1-based): chr14:76,498,270, G>C. VCF-style: chr14-76498270-G-C. GRCh37 (hg19) VCF-style: chr14-76964613-G-C.
Other names: c.1114G>C, p.Glu372Gln (NM_004452.4); short protein forms E372Q, E393Q.
Identifiers: ClinVar variation 1703296 (VCV001703296.2), dbSNP rs747893418, ClinGen allele CA390479489.

ClinVar aggregate classification (germline): Uncertain significance (1 of 4 stars; one submission).

Submission:

GeneDx
Classification: Uncertain significance. Last evaluated: 2022-02-22. Review status: criteria provided, single submitter. Criteria: GeneDx Variant Classification Process June 2021. Collection method: clinical testing. Allele origin: germline. Affected: yes.
Comment: Not observed at significant frequency in large population cohorts (gnomAD); In silico analysis supports that this missense variant does not alter protein structure/function; Has not been previously published as pathogenic or benign to our knowledge